The following is an entry in ClinVar:

ClinVar aggregate classification (germline): Uncertain significance (1 of 4 stars; one submission).

Conditions:
ALMS1-related disorder. Also called: ALMS1-related condition.

Submission:

PreventionGenetics, part of Exact Sciences
Classification: Uncertain significance for ALMS1-related condition. Last evaluated: 2026-08-04. Review status: criteria provided, single submitter. Criteria: ACMG Guidelines, 2015. Collection method: clinical testing. Allele origin: germline.
Comment: The ALMS1 c.4636G>A variant is predicted to result in the amino acid substitution p.Ala1546Thr. To our knowledge, this variant has not been reported in the literature. This variant is reported in 0.0016% of alleles in individuals of European (Non-Finnish) descent in gnomAD. At this time, the clinical significance of this variant is uncertain due to the absence of conclusive functional and genetic evidence.

NM_001378454.1(ALMS1):c.4633G>A (p.Glu1545Lys)

Gene: ALMS1 (ALMS1 centrosome and basal body associated protein; plus strand). Cytogenetic location: 2p13.1.
Variant type: single nucleotide variant.
Coding change: c.4633G>A on transcript NM_001378454.1 (MANE Select); coding-DNA position 4633, G replaced by A.
Protein change: p.Glu1545Lys; replaces glutamic acid 1545 with lysine.
Molecular consequence: missense variant.
Genome position (GRCh38, 1-based): chr2:73,451,160, G>A. VCF-style: chr2-73451160-G-A. GRCh37 (hg19) VCF-style: chr2-73678287-G-A.
Other names: c.4636G>A, p.Glu1546Lys (NM_015120.4); short protein forms E1546K, E1545K.
Identifiers: ClinVar variation 4978584 (VCV004978584.1).